The following is an entry in ClinVar:

ClinVar aggregate classification (germline): Likely benign. Review status: criteria provided, multiple submitters, no conflicts (2 of 4 stars). 2 submissions from 2 submitters: Likely benign (2). Last evaluated 2025-06-01.

Allele frequency attached by ClinVar (database versions not stated): 1000 Genomes Project 30x 0.00016; ESP Exome Variant Server 0.00032; TOPMed 0.00049; gnomAD 0.00053 and 0.00054.
gnomAD v4.1: 138 of 1,614,082 alleles (0.0085%); highest among the groups gnomAD compares: African/African-American, 0.17%; no homozygotes.

Submissions (2):

CeGaT Center for Human Genetics Tuebingen
Classification: Likely benign. Last evaluated: 2025-06-01. Review status: criteria provided, single submitter. Criteria: CeGaT Center For Human Genetics Tuebingen Variant Classification Criteria Version 2. Collection method: clinical testing. Allele origin: germline. Affected: yes. Observed: 1 variant allele.
Comment: MAP1A: BP4, BP7

Labcorp Genetics (formerly Invitae), Labcorp
Classification: Likely benign. Last evaluated: 2018-04-04. Review status: criteria provided, single submitter. Criteria: Invitae Variant Classification Sherloc (09022015). Collection method: clinical testing. Allele origin: germline.

NM_002373.6(MAP1A):c.3456C>A (p.Ser1152=)

Gene: MAP1A (microtubule associated protein 1A; plus strand). Cytogenetic location: 15q15.3.
Variant type: single nucleotide variant.
Coding change: c.3456C>A on transcript NM_002373.6 (MANE Select); coding-DNA position 3456, C replaced by A.
Protein change: p.Ser1152=; no amino-acid change (serine 1152 retained).
Molecular consequence: synonymous variant.
Genome position (GRCh38, 1-based): chr15:43,524,929, C>A. VCF-style: chr15-43524929-C-A. GRCh37 (hg19) VCF-style: chr15-43817127-C-A.
Identifiers: ClinVar variation 747143 (VCV000747143.11), dbSNP rs377389033, ClinGen allele CA7526400.
Genomic context (GRCh38, chr15:43,524,929, plus strand): 5'-TCAGAAAGATGAGGTGCTCAGATATCCTGACCGAAGCCTCTCTCCTGAAGATGCAGAATC[C>A]CTCTCTGTCCTCAGCGTGCCCTCCCCAGACACTGCCAACCAAGAGCCTACCCCCAAGTCT-3'
Protein context (NP_002364.5, residues 1142-1162): DRSLSPEDAE[Ser1152=]LSVLSVPSPD